The following is an entry in ClinVar:

NM_020207.7(ERCC6L2):c.1720C>T (p.Gln574Ter)

Gene: ERCC6L2 (ERCC excision repair 6 like 2; plus strand). Cytogenetic location: 9q22.32.
Variant type: single nucleotide variant.
Coding change: c.1720C>T on transcript NM_020207.7 (MANE Select); coding-DNA position 1720, C replaced by T.
Protein change: p.Gln574Ter; replaces glutamine 574 with a stop codon.
Molecular consequence: nonsense. On other transcripts: non-coding transcript variant (1).
Genome position (GRCh38, 1-based): chr9:95,928,833, C>T. VCF-style: chr9-95928833-C-T. GRCh37 (hg19) VCF-style: chr9-98691115-C-T.
Other names: c.1720C>T, p.Gln574Ter (NM_001010895.4, NM_001375291.1, NM_001375292.1 and 2 more transcripts); short protein forms Q574*.
Identifiers: ClinVar variation 4730663 (VCV004730663.1).

ClinVar aggregate classification (germline): Pathogenic (1 of 4 stars; one submission).

Submission:

Labcorp Genetics (formerly Invitae), Labcorp
Classification: Pathogenic. Last evaluated: 2025-11-06. Review status: criteria provided, single submitter. Criteria: Invitae Variant Classification Sherloc (09022015). Collection method: clinical testing. Allele origin: germline.
Comment: This sequence change creates a premature translational stop signal (p.Gln585*) in the ERCC6L2 gene. It is expected to result in an absent or disrupted protein product. Loss-of-function variants in ERCC6L2 are known to be pathogenic (PMID: 24507776, 27185855, 29146883, 29987015). This variant is not present in population databases (gnomAD no frequency). This variant has not been reported in the literature in individuals affected with ERCC6L2-related conditions. For these reasons, this variant has been classified as Pathogenic.

Literature cited by the submitters: PubMed 24507776; PubMed 27185855; PubMed 29146883; PubMed 29987015.